The following is an entry in ClinVar:

NM_018136.5(ASPM):c.3820C>T (p.Gln1274Ter)

Gene: ASPM (assembly factor for spindle microtubules; minus strand). Cytogenetic location: 1q31.3.
Variant type: single nucleotide variant.
Coding change: c.3820C>T on transcript NM_018136.5 (MANE Select); coding-DNA position 3820, C replaced by T.
Protein change: p.Gln1274Ter; replaces glutamine 1274 with a stop codon.
Molecular consequence: nonsense.
Genome position (GRCh38, 1-based): chr1:197,121,965, G>A on the plus strand (C>T on the coding strand, the complement: ASPM is on the minus strand). VCF-style: chr1-197121965-G-A. GRCh37 (hg19) VCF-style: chr1-197091095-G-A.
Other names: c.3820C>T, p.Gln1274Ter (NM_001206846.2); short protein forms Q1274*.
Identifiers: ClinVar variation 3234999 (VCV003234999.1), dbSNP rs933499397, ClinGen allele CA344037718.
Genomic context (GRCh38, chr1:197,121,965, plus strand): 5'-CTAGGAGTACCTGATGGCGTTTGAGATCTGTTTTTAGTTTATATTTTCTCCATGTTGTTT[G>A]TATGAGTCGAGCAGCTCTTATTTCTTTACGAAGATCCAAAAGCCTTGCACAAAGAAATGA-3'

ClinVar aggregate classification (germline): Likely pathogenic (1 of 4 stars; one submission).

Conditions:
Microcephaly 5, primary, autosomal recessive (MCPH5). Also called: ASPM Primary Microcephaly. Identifiers: Orphanet 2512, MedGen C1837501, MONDO:0012106, OMIM 608716.

Submission:

Neuberg Centre For Genomic Medicine, NCGM
Classification: Likely pathogenic for Microcephaly 5, primary, autosomal recessive. Review status: criteria provided, single submitter. Criteria: ACMG Guidelines, 2015. Collection method: clinical testing. Allele origin: germline. Inheritance: Autosomal recessive inheritance. Affected: yes.
Comment: The stop gain c.3820C>T p.Gln1274Ter variant in ASPM gene has not been reported previously as a pathogenic variant nor as a benign variant, to our knowledge. The c.3820C>T variant is novel not in any individuals in both gnomAD Exomes and 1000 Genomes databases. This variant has not been reported to the ClinVar database. The nucleotide change c.3820C>T in ASPM is predicted as conserved by GERP++ and PhyloP across 100 vertebrates. This variant is predicted to cause loss of normal protein function through protein truncation. Loss of function variants in ASPM gene have been previously reported to be disease causing. Additional studies will be required to prove the pathogenicity of this variant. For these reasons, this variant has been classified as Likely Pathogenic.